The following is an entry in ClinVar:

NM_022124.6(CDH23):c.2918_2928del (p.Pro973fs)

Gene: CDH23 (cadherin related 23; plus strand). Cytogenetic location: 10q22.1.
Variant type: Deletion.
Coding change: c.2918_2928del on transcript NM_022124.6 (MANE Select); coding-DNA positions 2918 to 2928, 11 bases deleted (CCACCAAGAGC).
Protein change: p.Pro973fs; shifts the reading frame from proline 973.
Molecular consequence: frameshift variant.
Genome position (GRCh38, 1-based): chr10:71,705,095-71,705,105, CCACCAAGAGC deleted; deleting any 11 consecutive bases within chr10:71,705,093-71,705,105 gives the same sequence; the c. name uses the placement nearest the transcript's 3' end. VCF-style (leftmost placement, unchanged base first): chr10-71705092-CGCCCACCAAGA-C. GRCh37 (hg19) VCF-style: chr10-73464849-CGCCCACCAAGA-C.
Other names: c.2918_2928del, p.Pro973fs (NM_001171930.2, NM_001171931.2); short protein forms P973fs.
Identifiers: ClinVar variation 1456656 (VCV001456656.6), dbSNP rs1865731567, ClinGen allele CA1918835700.

ClinVar aggregate classification (germline): Pathogenic (1 of 4 stars; one submission).

Submission:

Labcorp Genetics (formerly Invitae), Labcorp
Classification: Pathogenic. Last evaluated: 2024-09-19. Review status: criteria provided, single submitter. Criteria: Invitae Variant Classification Sherloc (09022015). Collection method: clinical testing. Allele origin: germline.
Comment: This sequence change creates a premature translational stop signal (p.Pro973Leufs*121) in the CDH23 gene. It is expected to result in an absent or disrupted protein product. Loss-of-function variants in CDH23 are known to be pathogenic (PMID: 11138009, 21940737). This variant is not present in population databases (gnomAD no frequency). This variant has not been reported in the literature in individuals affected with CDH23-related conditions. ClinVar contains an entry for this variant (Variation ID: 1456656). For these reasons, this variant has been classified as Pathogenic.

Literature cited by the submitters: PubMed 11138009; PubMed 21940737.